The following is an entry in ClinVar:

ClinVar aggregate classification (germline): Uncertain significance. Review status: criteria provided, multiple submitters, no conflicts (2 of 4 stars). 2 submissions from 2 submitters: Uncertain significance (2). Last evaluated 2026-02-02.

Conditions:
Peroxisome biogenesis disorder 4A (Zellweger) (PBD4A). Also called: Zellweger syndrome spectrum (PEX6-related). Identifiers: Orphanet 912, MedGen C3553936, MONDO:0013930, OMIM 614862. Disease mechanism: loss of function.
Peroxisome biogenesis disorder. Identifiers: Orphanet 79189, MedGen C1832200, MONDO:0019234. Disease mechanism: loss of function.

Allele frequency attached by ClinVar (database versions not stated): gnomAD exomes below 0.00001 and 0.00002; TOPMed below 0.00001; ExAC 0.00001; gnomAD 0.00001; 1000 Genomes Project 30x 0.00016; 1000 Genomes Project 0.00020.
gnomAD v4.1: 24 of 1,614,080 alleles (0.0015%); highest among the groups gnomAD compares: African/African-American, 0.0027%; no homozygotes.

Submissions (2):

Labcorp Genetics (formerly Invitae), Labcorp
Classification: Uncertain significance for Peroxisome biogenesis disorder. Last evaluated: 2026-02-02. Review status: criteria provided, single submitter. Criteria: Invitae Variant Classification Sherloc (09022015). Collection method: clinical testing. Allele origin: germline.
Comment: This sequence change replaces isoleucine, which is neutral and non-polar, with threonine, which is neutral and polar, at codon 362 of the PEX6 protein (p.Ile362Thr). This variant is present in population databases (rs571650965, gnomAD 0.007%). This variant has not been reported in the literature in individuals affected with PEX6-related conditions. ClinVar contains an entry for this variant (Variation ID: 909155). Invitae Evidence Modeling of protein sequence and biophysical properties (such as structural, functional, and spatial information, amino acid conservation, physicochemical variation, residue mobility, and thermodynamic stability) indicates that this missense variant is not expected to disrupt PEX6 protein function with a negative predictive value of 95%. In summary, the available evidence is currently insufficient to determine the role of this variant in disease. Therefore, it has been classified as a Variant of Uncertain Significance.

Illumina Laboratory Services, Illumina
Classification: Uncertain significance for Peroxisome biogenesis disorder 4A (Zellweger). Last evaluated: 2018-01-13. Review status: criteria provided, single submitter. Criteria: ICSL Variant Classification Criteria 13 December 2019. Collection method: clinical testing. Allele origin: germline.

NM_000287.4(PEX6):c.1085T>C (p.Ile362Thr)

Gene: PEX6 (peroxisomal biogenesis factor 6; minus strand). Cytogenetic location: 6p21.1.
Variant type: single nucleotide variant.
Coding change: c.1085T>C on transcript NM_000287.4 (MANE Select); coding-DNA position 1085, T replaced by C.
Protein change: p.Ile362Thr; replaces isoleucine 362 with threonine.
Molecular consequence: missense variant. On other transcripts: non-coding transcript variant (1).
Genome position (GRCh38, 1-based): chr6:42,974,048, A>G on the plus strand (T>C on the coding strand, the complement: PEX6 is on the minus strand). VCF-style: chr6-42974048-A-G. GRCh37 (hg19) VCF-style: chr6-42941786-A-G.
Other names: c.821T>C, p.Ile274Thr (NM_001316313.2); short protein forms I274T, I362T.
Identifiers: ClinVar variation 909155 (VCV000909155.7), dbSNP rs571650965, ClinGen allele CA3811456.